The following is an entry in ClinVar:

NC_000009.11:g.(?_131302534)_(131302637_?)dup

Gene: GLE1 (GLE1 RNA export mediator; plus strand). Cytogenetic location: 9q34.11.
Variant type: Duplication.
Identifiers: ClinVar variation 3245297 (VCV003245297.1).

ClinVar aggregate classification (germline): Likely pathogenic (1 of 4 stars; one submission).

Submission:

Labcorp Genetics (formerly Invitae), Labcorp
Classification: Likely pathogenic. Last evaluated: 2023-10-15. Review status: criteria provided, single submitter. Criteria: Invitae Variant Classification Sherloc (09022015). Collection method: clinical testing. Allele origin: unknown.
Comment: This variant results in a copy number gain of the genomic region encompassing exon(s) 15 of the GLE1 gene. While the exact position of this variant cannot be determined from the data, sub-genic copy number gains are generally in tandem (PMID: 25640679). This variant is predicted to be out-of-frame, and may result in an absent or disrupted protein product. Loss-of-function variants in GLE1 are known to be pathogenic (PMID: 18204449, 24243016, 27684565). This variant has not been reported in the literature in individuals affected with GLE1-related conditions. In summary, the currently available evidence indicates that the variant is pathogenic, but additional data are needed to prove that conclusively. Therefore, this variant has been classified as Likely Pathogenic.

Literature cited by the submitters: PubMed 25640679; PubMed 18204449; PubMed 24243016; PubMed 27684565.